The following is an entry in ClinVar:

ClinVar aggregate classification (germline): Uncertain significance (1 of 4 stars; one submission).

Conditions:
Glucose-6-phosphate transport defect (GSD1B). Also called: GSD Ib; Glycogen Storage Disease Type Ib. Identifiers: Orphanet 364, Orphanet 79259, MedGen C0268146, MONDO:0009288, OMIM 232220.

Submission:

Labcorp Genetics (formerly Invitae), Labcorp
Classification: Uncertain significance for Glucose-6-phosphate transport defect. Last evaluated: 2022-04-25. Review status: criteria provided, single submitter. Criteria: Invitae Variant Classification Sherloc (09022015). Collection method: clinical testing. Allele origin: germline.
Comment: This sequence change replaces threonine, which is neutral and polar, with proline, which is neutral and non-polar, at codon 11 of the SLC37A4 protein (p.Thr11Pro). This variant is present in population databases (no rsID available, gnomAD 0.007%). This variant has not been reported in the literature in individuals affected with SLC37A4-related conditions. Experimental studies and prediction algorithms are not available or were not evaluated, and the functional significance of this variant is currently unknown. In summary, the available evidence is currently insufficient to determine the role of this variant in disease. Therefore, it has been classified as a Variant of Uncertain Significance.

NM_001164277.2(SLC37A4):c.31A>C (p.Thr11Pro)

Gene: SLC37A4 (solute carrier family 37 member 4; minus strand). Cytogenetic location: 11q23.3.
Variant type: single nucleotide variant.
Coding change: c.31A>C on transcript NM_001164277.2 (MANE Select); coding-DNA position 31, A replaced by C.
Protein change: p.Thr11Pro; replaces threonine 11 with proline.
Molecular consequence: missense variant. On other transcripts: intron variant (1).
Genome position (GRCh38, 1-based): chr11:119,029,339, T>G on the plus strand (A>C on the coding strand, the complement: SLC37A4 is on the minus strand). VCF-style: chr11-119029339-T-G. GRCh37 (hg19) VCF-style: chr11-118900049-T-G.
Other names: c.31A>C, p.Thr11Pro (NM_001164280.2, NM_001467.6, NM_001164278.2); c.-172+53A>C (NM_001164279.2); short protein forms T11P.
Identifiers: ClinVar variation 1512595 (VCV001512595.3), dbSNP rs1399227780, ClinGen allele CA382909038.